The following is an entry in ClinVar:

ClinVar aggregate classification (germline): Uncertain significance (1 of 4 stars; one submission).

Allele frequency attached by ClinVar (database versions not stated): TOPMed below 0.00001; gnomAD 0.00001; ExAC 0.00004.
gnomAD v4.1: 20 of 1,571,600 alleles (0.0013%); highest among the groups gnomAD compares: Admixed American, 0.0056%; no homozygotes.

Submission:

GeneDx
Classification: Uncertain significance. Last evaluated: 2023-04-11. Review status: criteria provided, single submitter. Criteria: GeneDx Variant Classification Process June 2021. Collection method: clinical testing. Allele origin: germline. Affected: yes.
Comment: In silico analysis supports a deleterious effect on splicing; Has not been previously published as pathogenic or benign to our knowledge

NM_001080453.3(INTS1):c.6256-6G>A

Gene: INTS1 (integrator complex subunit 1; minus strand). Cytogenetic location: 7p22.3.
Variant type: single nucleotide variant.
Coding change: c.6256-6G>A on transcript NM_001080453.3 (MANE Select); 6 bases into the intron before coding-DNA position 6256, G replaced by A.
Molecular consequence: intron variant.
Genome position (GRCh38, 1-based): chr7:1,471,230, C>T on the plus strand (G>A on the coding strand, the complement: INTS1 is on the minus strand). VCF-style: chr7-1471230-C-T. GRCh37 (hg19) VCF-style: chr7-1510866-C-T.
Identifiers: ClinVar variation 2661968 (VCV002661968.1), dbSNP rs751303536, ClinGen allele CA4118016.